The following is an entry in ClinVar:

ClinVar aggregate classification (germline): Benign. Review status: criteria provided, multiple submitters, no conflicts (2 of 4 stars). 2 submissions from 2 submitters: Benign (2). Last evaluated 2018-01-13.

Conditions:
Hermansky-Pudlak syndrome 5 (HPS5). Identifiers: Orphanet 231512, Orphanet 79430, MedGen C3888004, MONDO:0013557, OMIM 614074.

Allele frequency attached by ClinVar (database versions not stated): 1000 Genomes Project 30x 0.31558; 1000 Genomes Project 0.32208; TOPMed 0.34677; gnomAD 0.35745 and 0.36221; gnomAD exomes 0.43367.
gnomAD v4.1: 62,802 of 169,528 alleles (37%); highest among the groups gnomAD compares: Non-Finnish European, 49%; 14,067 homozygotes.

Submissions (2):

Illumina Laboratory Services, Illumina
Classification: Benign for Hermansky-Pudlak syndrome 5. Last evaluated: 2018-01-13. Review status: criteria provided, single submitter. Criteria: ICSL Variant Classification Criteria 13 December 2019. Collection method: clinical testing. Allele origin: germline.
Comment: This variant was observed in the ICSL laboratory as part of a predisposition screen in an ostensibly healthy population. It had not been previously curated by ICSL or reported in the Human Gene Mutation Database (HGMD: prior to June 1st, 2018), and was therefore a candidate for classification through an automated scoring system. Utilizing variant allele frequency, disease prevalence and penetrance estimates, and inheritance mode, an automated score was calculated to assess if this variant is too frequent to cause the disease. Based on the score and internal cut-off values, a variant classified as benign is not then subjected to further curation. The score for this variant resulted in a classification of benign for this disease.

Breakthrough Genomics
Classification: Benign. Review status: criteria provided, single submitter. Criteria: ACMG Guidelines, 2015. Collection method: not provided. Allele origin: germline. Inheritance: Autosomal recessive inheritance. Affected: yes.

NM_181507.2(HPS5):c.*464C>A

Gene: HPS5 (HPS5 biogenesis of lysosomal organelles complex 2 subunit 2; minus strand). Cytogenetic location: 11p15.1.
Variant type: single nucleotide variant.
Coding change: c.*464C>A on transcript NM_181507.2 (MANE Select); 464 bases downstream of the stop codon, C replaced by A.
Molecular consequence: 3 prime UTR variant.
Genome position (GRCh38, 1-based): chr11:18,279,418, G>T on the plus strand (C>A on the coding strand, the complement: HPS5 is on the minus strand). VCF-style: chr11-18279418-G-T. GRCh37 (hg19) VCF-style: chr11-18300965-G-T.
Other names: c.*464C>A (NM_007216.4, NM_181508.2).
Identifiers: ClinVar variation 303858 (VCV000303858.6), dbSNP rs1046611, ClinGen allele CA10634273.